The following is an entry in ClinVar:

NM_033380.3(COL4A5):c.2696G>A (p.Gly899Asp)

Gene: COL4A5 (collagen type IV alpha 5 chain; plus strand). Cytogenetic location: Xq22.3.
Variant type: single nucleotide variant.
Coding change: c.2696G>A on transcript NM_033380.3 (MANE Select); coding-DNA position 2696, G replaced by A.
Protein change: p.Gly899Asp; replaces glycine 899 with aspartic acid.
Molecular consequence: missense variant.
Genome position (GRCh38, 1-based): chrX:108,621,821, G>A. VCF-style: chrX-108621821-G-A. GRCh37 (hg19) VCF-style: chrX-107865051-G-A.
Other names: c.2696G>A, p.Gly899Asp (NM_000495.5); short protein forms G899D.
Identifiers: ClinVar variation 439521 (VCV000439521.15), dbSNP rs281874702, ClinGen allele CA413851918.

ClinVar aggregate classification (germline): Pathogenic/Likely pathogenic. Review status: criteria provided, multiple submitters, no conflicts (2 of 4 stars). 5 submissions from 5 submitters: Pathogenic (2); Likely pathogenic (3). Last evaluated 2025-06-12.

Conditions:
X-linked Alport syndrome (ATS1). Also called: NEPHROPATHY AND DEAFNESS, X-LINKED; COL4A5-Related Nephropathy. Identifiers: Orphanet 63, Orphanet 88917, MedGen C4746986, MONDO:0010520, OMIM 301050.

Submissions (5):

Labcorp Genetics (formerly Invitae), Labcorp
Classification: Pathogenic. Last evaluated: 2025-06-12. Review status: criteria provided, single submitter. Criteria: Invitae Variant Classification Sherloc (09022015). Collection method: clinical testing. Allele origin: germline.
Comment: This sequence change replaces glycine, which is neutral and non-polar, with aspartic acid, which is acidic and polar, at codon 899 of the COL4A5 protein (p.Gly899Asp). This variant is not present in population databases (gnomAD no frequency). This missense change has been observed in individual(s) with clinical features of Alport syndrome (internal data). ClinVar contains an entry for this variant (Variation ID: 439521). Invitae Evidence Modeling of protein sequence and biophysical properties (such as structural, functional, and spatial information, amino acid conservation, physicochemical variation, residue mobility, and thermodynamic stability) indicates that this missense variant is expected to disrupt COL4A5 protein function with a positive predictive value of 95%. This variant disrupts the triple helix domain of COL4A5. Glycine residues within the Gly-Xaa-Yaa repeats of the triple helix domain are required for the structure and stability of fibrillar collagens (PMID: 7695699, 8218237, 19344236). In COL4A5, missense variants at these glycine residues are significantly enriched in individuals with disease (PMID: 23720012, 27627812) compared to the general population (ExAC). This variant disrupts the p.Gly899 amino acid residue in COL4A5. Other variant(s) that disrupt this residue have been observed in individuals with COL4A5-related conditions (PMID: 21505094; internal data), which suggests that this may be a clinically significant amino acid residue. For these reasons, this variant has been classified as Pathogenic.

GeneDx
Classification: Likely pathogenic. Last evaluated: 2025-01-09. Review status: criteria provided, single submitter. Criteria: GeneDx Variant Classification Process June 2021. Collection method: clinical testing. Allele origin: germline. Affected: yes.
Comment: Affects a glycine residue in a Gly-X-Y motif in the triple helical region of the COL4A5 gene, where the majority of pathogenic missense variants occur, and is predicted to disrupt normal protein folding and function (HGMD; PMID 10752524); Not observed at significant frequency in large population cohorts (gnomAD); In silico analysis supports that this missense variant has a deleterious effect on protein structure/function; Has not been previously published as pathogenic or benign to our knowledge; This variant is associated with the following publications: (PMID: 10752524)

Fulgent Genetics
Classification: Likely pathogenic for X-linked Alport syndrome. Last evaluated: 2024-02-05. Review status: criteria provided, single submitter. Criteria: ACMG Guidelines, 2015. Collection method: clinical testing. Allele origin: germline.

Athena Diagnostics
Classification: Pathogenic. Last evaluated: 2017-08-25. Review status: criteria provided, single submitter. Criteria: Athena Diagnostics Criteria. Collection method: clinical testing. Allele origin: germline.

ARUP Laboratories, Molecular Genetics and Genomics, ARUP Laboratories
Classification: Likely pathogenic. Last evaluated: 2017-05-11. Review status: criteria provided, single submitter. Criteria: ARUP Molecular Germline Variant Investigation Process. Collection method: clinical testing. Allele origin: germline.
Comment: The COL4A5 c.2696G>A, p.Gly899Asp variant has not been reported in the medical literature, listed in gene-specific variant databases or the ClinVar database, nor observed in the general population databases (1000 Genomes Project, Exome Variant Server, Genome Aggregation Database). However, another missense at this residue (p.Gly899Val) has been implicated in Alport syndrome (Ma 2011). The glycine at residue 899 is highly conserved, and lies in the collagen triple-helix repeat domain. Computational algorithms (Mutation Taster, PolyPhen-2, SIFT) predict that the variant has an impact on the protein. Based on the above information, the variant is classified as likely pathogenic. References: Ma J et al. Twenty-one novel mutations identified in the COL4A5 gene in Chinese patients with X-linked Alport's syndrome confirmed by skin biopsy. Nephrol Dial Transplant. 2011 26(12):4003-10.

Literature cited by the submitters: PubMed 7695699 (cited by Labcorp Genetics (formerly Invitae), Labcorp); PubMed 8218237 (cited by Labcorp Genetics (formerly Invitae), Labcorp); PubMed 19344236 (cited by Labcorp Genetics (formerly Invitae), Labcorp); PubMed 23720012 (cited by Labcorp Genetics (formerly Invitae), Labcorp); PubMed 27627812 (cited by Labcorp Genetics (formerly Invitae), Labcorp); PubMed 21505094 (cited by Labcorp Genetics (formerly Invitae), Labcorp).